The following is an entry in ClinVar:

NM_052961.4(SLC26A8):c.2860C>T (p.Arg954Cys)

Gene: SLC26A8 (solute carrier family 26 member 8; minus strand). Cytogenetic location: 6p21.31.
Variant type: single nucleotide variant.
Coding change: c.2860C>T on transcript NM_052961.4 (MANE Select); coding-DNA position 2860, C replaced by T.
Protein change: p.Arg954Cys; replaces arginine 954 with cysteine.
Molecular consequence: missense variant.
Genome position (GRCh38, 1-based): chr6:35,943,953, G>A on the plus strand (C>T on the coding strand, the complement: SLC26A8 is on the minus strand). VCF-style: chr6-35943953-G-A. GRCh37 (hg19) VCF-style: chr6-35911730-G-A.
Other names: c.2860C>T, p.Arg954Cys (NM_001193476.2); c.2545C>T, p.Arg849Cys (NM_138718.3); short protein forms R954C, R849C.
Identifiers: ClinVar variation 50911 (VCV000050911.4), dbSNP rs398123027, ClinGen allele CA143851.

ClinVar aggregate classification (germline): Uncertain significance. Review status: criteria provided, single submitter (1 of 4 stars). 2 submissions from 2 submitters: Uncertain significance (1). 1 of the submissions does not count toward it.

Conditions:
Spermatogenic failure 3 (SPGF3). Identifiers: Orphanet 276234, MedGen C4721889, MONDO:0011720, OMIM 606766.

Allele frequency attached by ClinVar (database versions not stated): TOPMed 0.00005; ExAC 0.00006; gnomAD exomes 0.00006; gnomAD 0.00003.
gnomAD v4.1: 89 of 1,614,026 alleles (0.0055%); highest among the groups gnomAD compares: East Asian, 0.02%; no homozygotes.

Submissions (2):

Juno Genomics, Hangzhou Juno Genomics, Inc
Classification: Uncertain significance for Spermatogenic failure 3. Review status: criteria provided, single submitter. Criteria: ACMG Guidelines, 2015. Collection method: clinical testing. Allele origin: germline. Affected: yes.
Comment: Absent from controls (or at extremely low frequency if recessive) in Genome Aggregation Database, Exome Sequencing Project, 1000 Genomes Project, or Exome Aggregation Consortium.;Well-established in vitro or in vivo functional studies supportive of a damaging effect on the gene or gene product.;The prevalence of the variant in affected individuals is significantly increased compared to the prevalence in controls.

OMIM
Classification: Pathogenic for SPERMATOGENIC FAILURE 3. Last evaluated: 2013-05-02. Review status: no assertion criteria provided. Collection method: literature only. Allele origin: germline. Not counted in ClinVar's aggregate classification.

Literature cited by the submitters: PubMed 23582645 (cited by OMIM).